The following is an entry in ClinVar:

ClinVar aggregate classification (germline): Pathogenic (1 of 4 stars; one submission).

Submission:

GeneDx
Classification: Pathogenic. Last evaluated: 2024-05-02. Review status: criteria provided, single submitter. Criteria: GeneDx Variant Classification Process June 2021. Collection method: clinical testing. Allele origin: germline. Affected: yes.
Comment: Occurs in the triple helical domain and replaces a glycine in a canonical Gly-X-Y repeat; missense substitution of a canonical glycine residue is expected to disrupt normal protein folding and function, and this is an established mechanism of disease (PMID: 34007986); Not observed at significant frequency in large population cohorts (gnomAD); In silico analysis supports that this missense variant has a deleterious effect on protein structure/function; Has not been previously published as pathogenic or benign in association with a COL1A1-related disorder to our knowledge; Also known as G502D; This variant is associated with the following publications: (PMID: 25834947, 34007986)

NM_000088.4(COL1A1):c.2039G>A (p.Gly680Asp)

Gene: COL1A1 (collagen type I alpha 1 chain; minus strand). Cytogenetic location: 17q21.33.
Variant type: single nucleotide variant.
Coding change: c.2039G>A on transcript NM_000088.4 (MANE Select); coding-DNA position 2039, G replaced by A.
Protein change: p.Gly680Asp; replaces glycine 680 with aspartic acid.
Molecular consequence: missense variant.
Genome position (GRCh38, 1-based): chr17:50,191,876, C>T on the plus strand (G>A on the coding strand, the complement: COL1A1 is on the minus strand). VCF-style: chr17-50191876-C-T. GRCh37 (hg19) VCF-style: chr17-48269237-C-T.
Other names: short protein forms G680D.
Identifiers: ClinVar variation 3371066 (VCV003371066.1).